The following is an entry in ClinVar:

ClinVar aggregate classification (germline): Benign (1 of 4 stars; one submission).

Conditions:
Orthostatic hypotension 1 (ORTHYP1). Also called: NORADRENALINE DEFICIENCY; NOREPINEPHRINE DEFICIENCY; Orthostatic hypotension 1, due to DBH deficiency; Dopamine beta-hydroxylase deficiency. Identifiers: Orphanet 230, MedGen C4746777, MONDO:0009123, OMIM 223360.

Allele frequency attached by ClinVar (database versions not stated): gnomAD exomes 0.00044; 1000 Genomes Project 30x 0.00468; gnomAD 0.00507 and 0.00545; 1000 Genomes Project 0.00519; TOPMed 0.00559.
gnomAD v4.1: 1,386 of 1,528,386 alleles (0.091%); highest among the groups gnomAD compares: African/African-American, 1.8%; 11 homozygotes.

Submission:

Illumina Laboratory Services, Illumina
Classification: Benign for Orthostatic hypotension 1. Last evaluated: 2018-01-12. Review status: criteria provided, single submitter. Criteria: ICSL Variant Classification Criteria 13 December 2019. Collection method: clinical testing. Allele origin: germline.
Comment: This variant was observed in the ICSL laboratory as part of a predisposition screen in an ostensibly healthy population. It had not been previously curated by ICSL or reported in the Human Gene Mutation Database (HGMD: prior to June 1st, 2018), and was therefore a candidate for classification through an automated scoring system. Utilizing variant allele frequency, disease prevalence and penetrance estimates, and inheritance mode, an automated score was calculated to assess if this variant is too frequent to cause the disease. Based on the score and internal cut-off values, a variant classified as benign is not then subjected to further curation. The score for this variant resulted in a classification of benign for this disease.

NM_000787.4(DBH):c.*58G>A

Gene: DBH (dopamine beta-hydroxylase; plus strand). Cytogenetic location: 9q34.2.
Variant type: single nucleotide variant.
Coding change: c.*58G>A on transcript NM_000787.4 (MANE Select); 58 bases downstream of the stop codon, G replaced by A.
Molecular consequence: 3 prime UTR variant.
Genome position (GRCh38, 1-based): chr9:133,658,505, G>A. VCF-style: chr9-133658505-G-A. GRCh37 (hg19) VCF-style: chr9-136523627-G-A.
Identifiers: ClinVar variation 913874 (VCV000913874.4), dbSNP rs45455601, ClinGen allele CA200982499.
Genomic context (GRCh38, chr9:133,658,505, plus strand): 5'-TGAGGGGGGACCTACTCCTCCCCCTCCTCCATGCTGTCCCTGTGGGCTCACACCGGCACT[G>A]TGCACTCTACTCTGCGACGATCCCCATGGAACAGCCCTGCACGCCCAGGATGAAGGGGCC-3'